The following is an entry in ClinVar:

ClinVar aggregate classification (germline): Uncertain significance (0 of 4 stars; one submission).

Conditions:
GNB1-related disorder. Also called: GNB1-related condition.

gnomAD v4.1: 1 of 1,579,554 alleles (0.000063%); highest among the groups gnomAD compares: Non-Finnish European, 0.000087%; no homozygotes.

Submission:

PreventionGenetics, part of Exact Sciences
Classification: Uncertain significance for GNB1-related condition. Last evaluated: 2024-08-05. Review status: no assertion criteria provided. Collection method: clinical testing. Allele origin: germline.
Comment: The GNB1 c.103A>G variant is predicted to result in the amino acid substitution p.Asn35Asp. To our knowledge, this variant has not been reported in the literature. This variant is reported in 0.00088% of alleles in individuals of European (Non-Finnish) descent in gnomAD. At this time, the clinical significance of this variant is uncertain due to the absence of conclusive functional and genetic evidence.

NM_002074.5(GNB1):c.103A>G (p.Asn35Asp)

Gene: GNB1 (G protein subunit beta 1; minus strand). Cytogenetic location: 1p36.33.
Variant type: single nucleotide variant.
Coding change: c.103A>G on transcript NM_002074.5 (MANE Select); coding-DNA position 103, A replaced by G.
Protein change: p.Asn35Asp; replaces asparagine 35 with aspartic acid.
Molecular consequence: missense variant. On other transcripts: intron variant (1).
Genome position (GRCh38, 1-based): chr1:1,815,856, T>C on the plus strand (A>G on the coding strand, the complement: GNB1 is on the minus strand). VCF-style: chr1-1815856-T-C. GRCh37 (hg19) VCF-style: chr1-1747295-T-C.
Other names: c.103A>G, p.Asn35Asp (NM_001282539.2); c.-97-9318A>G (NM_001282538.2); short protein forms N35D.
Identifiers: ClinVar variation 3346428 (VCV003346428.1).